The following is an entry in ClinVar:

NM_002843.4(PTPRJ):c.1252C>T (p.Arg418Cys)

Gene: PTPRJ (protein tyrosine phosphatase receptor type J; plus strand). Cytogenetic location: 11p11.2.
Variant type: single nucleotide variant.
Coding change: c.1252C>T on transcript NM_002843.4 (MANE Select); coding-DNA position 1252, C replaced by T.
Protein change: p.Arg418Cys; replaces arginine 418 with cysteine.
Molecular consequence: missense variant.
Genome position (GRCh38, 1-based): chr11:48,127,938, C>T. VCF-style: chr11-48127938-C-T. GRCh37 (hg19) VCF-style: chr11-48149490-C-T.
Other names: c.1252C>T, p.Arg418Cys (NM_001098503.2); short protein forms R418C.
Identifiers: ClinVar variation 2409658 (VCV002409658.4), dbSNP rs377560733, ClinGen allele CA5982119.
Genomic context (GRCh38, chr11:48,127,938, plus strand): 5'-ACCTACAAGATACATGTGGCGGGGGAGACAGATTCTTCCAATCTCAACGTCAGTGAGCCT[C>T]GCGCTGTCATCCCCGGACTCCGCTCCAGCACCTTCTACAACATCACAGTGTGTCCTGTCC-3'
Protein context (NP_002834.3, residues 408-428): DSSNLNVSEP[Arg418Cys]AVIPGLRSST

ClinVar aggregate classification (germline): Uncertain significance. Review status: criteria provided, multiple submitters, no conflicts (2 of 4 stars). 2 submissions from 2 submitters: Uncertain significance (2). Last evaluated 2025-10-13.

Conditions:
PTPRJ-related disorder. Also called: PTPRJ-related condition.

Allele frequency attached by ClinVar (database versions not stated): gnomAD exomes 0.00006; ExAC 0.00007; gnomAD 0.00009; TOPMed 0.00011; ESP Exome Variant Server 0.00015; 1000 Genomes Project 30x 0.00016; 1000 Genomes Project 0.00020.
gnomAD v4.1: 96 of 1,614,166 alleles (0.0059%); highest among the groups gnomAD compares: African/African-American, 0.031%; 1 homozygote.

Submissions (2):

PreventionGenetics, part of Exact Sciences
Classification: Uncertain significance for PTPRJ-related condition. Last evaluated: 2025-10-13. Review status: criteria provided, single submitter. Criteria: ACMG Guidelines, 2015. Collection method: clinical testing. Allele origin: germline.
Comment: The PTPRJ c.1252C>T variant is predicted to result in the amino acid substitution p.Arg418Cys. To our knowledge, this variant has not been reported in the literature. This variant is reported in 0.044% of alleles in individuals of African descent in gnomAD and is classified as a variant of uncertain significance in ClinVar. At this time, the clinical significance of this variant is uncertain due to the absence of conclusive functional and genetic evidence.

Ambry Genetics
Classification: Uncertain significance. Last evaluated: 2024-06-13. Review status: criteria provided, single submitter. Criteria: Ambry Variant Classification Scheme 2023. Collection method: clinical testing. Allele origin: germline.